The following is an entry in ClinVar:

NM_018671.5(UNC45A):c.1020C>T (p.Ile340=)

Gene: UNC45A (unc-45 myosin chaperone A; plus strand). Cytogenetic location: 15q26.1.
Variant type: single nucleotide variant.
Coding change: c.1020C>T on transcript NM_018671.5 (MANE Select); coding-DNA position 1020, C replaced by T.
Protein change: p.Ile340=; no amino-acid change (isoleucine 340 retained).
Molecular consequence: synonymous variant.
Genome position (GRCh38, 1-based): chr15:90,943,075, C>T. VCF-style: chr15-90943075-C-T. GRCh37 (hg19) VCF-style: chr15-91486305-C-T.
Other names: p.Ile340=; c.975C>T, p.Ile325= (NM_001039675.2, NM_001323621.2); c.1020C>T, p.Ile340= (NM_001323619.1); c.585C>T, p.Ile195= (NM_001323620.2).
Identifiers: ClinVar variation 1164964 (VCV001164964.13), dbSNP rs8034551, ClinGen allele CA7742744.

ClinVar aggregate classification (germline): Benign. Review status: criteria provided, multiple submitters, no conflicts (2 of 4 stars). 4 submissions from 4 submitters: Benign (3). 1 of the submissions does not count toward it. Last evaluated 2026-02-04.

Conditions:
UNC45A-related disorder. Also called: UNC45A-related condition.

Allele frequency attached by ClinVar (database versions not stated): TOPMed 0.05838; gnomAD 0.06350 and 0.06556; ESP Exome Variant Server 0.07043; 1000 Genomes Project 0.05851; 1000 Genomes Project 30x 0.05762; gnomAD exomes 0.08047; ExAC 0.08289.

Submissions (4):

Labcorp Genetics (formerly Invitae), Labcorp
Classification: Benign. Last evaluated: 2026-02-04. Review status: criteria provided, single submitter. Criteria: Invitae Variant Classification Sherloc (09022015). Collection method: clinical testing. Allele origin: germline.

Mayo Clinic Laboratories, Mayo Clinic
Classification: Benign. Last evaluated: 2022-09-06. Review status: criteria provided, single submitter. Criteria: ACMG Guidelines, 2015. Collection method: clinical testing. Allele origin: germline. Observed: 9 variant alleles.

Breakthrough Genomics
Classification: Benign. Review status: criteria provided, single submitter. Criteria: ACMG Guidelines, 2015. Collection method: not provided. Allele origin: germline. Inheritance: Autosomal recessive inheritance. Affected: yes.

PreventionGenetics, part of Exact Sciences
Classification: Benign for UNC45A-related condition. Last evaluated: 2024-01-28. Review status: no assertion criteria provided. Collection method: clinical testing. Allele origin: germline. Not counted in ClinVar's aggregate classification.
Comment: This variant is classified as benign based on ACMG/AMP sequence variant interpretation guidelines (Richards et al. 2015 PMID: 25741868, with internal and published modifications).